The following is an entry in ClinVar:

ClinVar aggregate classification (germline): Likely pathogenic (1 of 4 stars; one submission).

Conditions:
Neurodevelopmental disorder with cerebellar atrophy and motor dysfunction. Identifiers: MedGen C5543427, MONDO:0859152, OMIM 619333.

Submission:

Neuberg Centre For Genomic Medicine, NCGM
Classification: Likely pathogenic for Neurodevelopmental disorder with cerebellar atrophy and motor dysfunction. Review status: criteria provided, single submitter. Criteria: ACMG Guidelines, 2015. Collection method: clinical testing. Allele origin: germline. Inheritance: Autosomal recessive inheritance. Affected: yes.
Comment: The stop gained variant c.2883G>A (p.Trp961Ter) in GEMIN5 gene has not been reported previously as a pathogenic variant nor as a benign variant, to our knowledge. The p.Trp961Ter variant is novel (not in any individuals) in gnomAD exomes and is novel (not in any individuals) in 1000 Genomes. This variant has not been reported to the ClinVar database. The nucleotide change c.2883G>A in GEMIN5 is predicted as conserved by GERP++ and PhyloP across 100 vertebrates. This variant is predicted to cause loss of normal protein function through protein truncation. Loss of function variants have been previously reported to be disease causing. For these reasons, this variant has been classified as Likely Pathogenic.

NM_015465.5(GEMIN5):c.2883G>A (p.Trp961Ter)

Gene: GEMIN5 (gem nuclear organelle associated protein 5; minus strand). Cytogenetic location: 5q33.2.
Variant type: single nucleotide variant.
Coding change: c.2883G>A on transcript NM_015465.5 (MANE Select); coding-DNA position 2883, G replaced by A.
Protein change: p.Trp961Ter; replaces tryptophan 961 with a stop codon.
Molecular consequence: nonsense.
Genome position (GRCh38, 1-based): chr5:154,901,470, C>T on the plus strand (G>A on the coding strand, the complement: GEMIN5 is on the minus strand). VCF-style: chr5-154901470-C-T. GRCh37 (hg19) VCF-style: chr5-154281030-C-T.
Other names: c.2880G>A, p.Trp960Ter (NM_001252156.2); short protein forms W961*, W960*.
Identifiers: ClinVar variation 2584965 (VCV002584965.1), dbSNP rs2481048975, ClinGen allele CA361954210.